The following is an entry in ClinVar:

ClinVar aggregate classification (germline): Uncertain significance (1 of 4 stars; one submission).

Conditions:
Tuberous sclerosis 1 (TSC1). Identifiers: Orphanet 805, MedGen C1854465, MONDO:0008612, OMIM 191100.

Allele frequency attached by ClinVar (database versions not stated): gnomAD exomes 0.00001.
gnomAD v4.1: 4 of 1,614,098 alleles (0.00025%); highest among the groups gnomAD compares: Non-Finnish European, 0.00034%; no homozygotes.

Submission:

Labcorp Genetics (formerly Invitae), Labcorp
Classification: Uncertain significance for Tuberous sclerosis 1. Last evaluated: 2018-09-30. Review status: criteria provided, single submitter. Criteria: Invitae Variant Classification Sherloc (09022015). Collection method: clinical testing. Allele origin: germline.
Comment: This variant is not present in population databases (ExAC no frequency). This sequence change replaces serine with phenylalanine at codon 538 of the TSC1 protein (p.Ser538Phe). The serine residue is moderately conserved and there is a large physicochemical difference between serine and phenylalanine. This variant has not been reported in the literature in individuals with TSC1-related disease. Algorithms developed to predict the effect of missense changes on protein structure and function are either unavailable or do not agree on the potential impact of this missense change (SIFT: "Deleterious"; PolyPhen-2: "Possibly Damaging"; Align-GVGD: "Class C0"). In summary, the available evidence is currently insufficient to determine the role of this variant in disease. Therefore, it has been classified as a Variant of Uncertain Significance.

NM_000368.5(TSC1):c.1613C>T (p.Ser538Phe)

Gene: TSC1 (TSC complex subunit 1; minus strand). Cytogenetic location: 9q34.13.
Variant type: single nucleotide variant.
Coding change: c.1613C>T on transcript NM_000368.5 (MANE Select); coding-DNA position 1613, C replaced by T.
Protein change: p.Ser538Phe; replaces serine 538 with phenylalanine.
Molecular consequence: missense variant.
Genome position (GRCh38, 1-based): chr9:132,905,965, G>A on the plus strand (C>T on the coding strand, the complement: TSC1 is on the minus strand). VCF-style: chr9-132905965-G-A. GRCh37 (hg19) VCF-style: chr9-135781352-G-A.
Other names: c.1610C>T, p.Ser537Phe (NM_001162426.2); c.1460C>T, p.Ser487Phe (NM_001162427.2); c.1250C>T, p.Ser417Phe (NM_001362177.2); short protein forms S417F, S487F, S537F, S538F.
Identifiers: ClinVar variation 659076 (VCV000659076.8), dbSNP rs1588310350, ClinGen allele CA375364707.